The following is an entry in ClinVar:

NM_015662.3(IFT172):c.3624G>A (p.Arg1208=)

Genes: IFT172 (intraflagellar transport 172; minus strand), LOC126806173 (BRD4-independent group 4 enhancer GRCh37_chr2:27676057-27677256; plus strand). Cytogenetic location: 2p23.3.
Variant type: single nucleotide variant.
Coding change: c.3624G>A on transcript NM_015662.3 (MANE Select); coding-DNA position 3624, G replaced by A.
Protein change: p.Arg1208=; no amino-acid change (arginine 1208 retained).
Molecular consequence: synonymous variant.
Genome position (GRCh38, 1-based): chr2:27,454,069, C>T on the plus strand (G>A on the coding strand, the complement: IFT172 is on the minus strand). VCF-style: chr2-27454069-C-T. GRCh37 (hg19) VCF-style: chr2-27676936-C-T.
Other names: c.3558G>A, p.Arg1186= (NM_001410739.1).
Identifiers: ClinVar variation 4984280 (VCV004984280.1).

ClinVar aggregate classification (germline): Likely benign (1 of 4 stars; one submission).

Conditions:
IFT172-related disorder. Also called: IFT172-related condition; IFT172-related disorders.

gnomAD v4.1: 2 of 1,614,024 alleles (0.00012%); highest among the groups gnomAD compares: African/African-American, 0.0027%; no homozygotes.

Submission:

PreventionGenetics, part of Exact Sciences
Classification: Likely benign for IFT172-related condition. Last evaluated: 2024-11-19. Review status: criteria provided, single submitter. Criteria: ACMG Guidelines, 2015. Collection method: clinical testing. Allele origin: germline.
Comment: This variant is classified as likely benign based on ACMG/AMP sequence variant interpretation guidelines (Richards et al. 2015 PMID: 25741868, with internal and published modifications).